The following is an entry in ClinVar:

NM_018139.3(DNAAF2):c.506T>C (p.Leu169Pro)

Gene: DNAAF2 (dynein axonemal assembly factor 2; minus strand). Cytogenetic location: 14q21.3.
Variant type: single nucleotide variant.
Coding change: c.506T>C on transcript NM_018139.3 (MANE Select); coding-DNA position 506, T replaced by C.
Protein change: p.Leu169Pro; replaces leucine 169 with proline.
Molecular consequence: missense variant.
Genome position (GRCh38, 1-based): chr14:49,634,644, A>G on the plus strand (T>C on the coding strand, the complement: DNAAF2 is on the minus strand). VCF-style: chr14-49634644-A-G. GRCh37 (hg19) VCF-style: chr14-50101362-A-G.
Other names: c.506T>C, p.Leu169Pro (NM_001083908.2); short protein forms L169P.
Identifiers: ClinVar variation 837963 (VCV000837963.1), dbSNP rs1208445913, ClinGen allele CA389631712.

ClinVar aggregate classification (germline): Uncertain significance (1 of 4 stars; one submission).

Conditions:
Primary ciliary dyskinesia. Also called: Ciliary dyskinesia. Identifiers: Orphanet 244, MedGen C0008780, MONDO:0016575, HP:0012265.

Allele frequency attached by ClinVar (database versions not stated): TOPMed below 0.00001.
gnomAD v4.1: 3 of 1,607,234 alleles (0.00019%); highest among the groups gnomAD compares: Non-Finnish European, 0.00017%; no homozygotes.

Submission:

Labcorp Genetics (formerly Invitae), Labcorp
Classification: Uncertain significance for Primary ciliary dyskinesia. Last evaluated: 2019-04-17. Review status: criteria provided, single submitter. Criteria: Invitae Variant Classification Sherloc (09022015). Collection method: clinical testing. Allele origin: germline.
Comment: This sequence change replaces leucine with proline at codon 169 of the DNAAF2 protein (p.Leu169Pro). The leucine residue is moderately conserved and there is a moderate physicochemical difference between leucine and proline. This variant is not present in population databases (ExAC no frequency). This variant has not been reported in the literature in individuals with DNAAF2-related conditions. Algorithms developed to predict the effect of missense changes on protein structure and function are either unavailable or do not agree on the potential impact of this missense change (SIFT: "Deleterious"; PolyPhen-2: "Probably Damaging"; Align-GVGD: "Class C0"). In summary, the available evidence is currently insufficient to determine the role of this variant in disease. Therefore, it has been classified as a Variant of Uncertain Significance.